The following is an entry in ClinVar:

NM_003924.4(PHOX2B):c.322G>T (p.Ala108Ser)

Gene: PHOX2B (paired like homeobox 2B; minus strand). Cytogenetic location: 4p13.
Variant type: single nucleotide variant.
Coding change: c.322G>T on transcript NM_003924.4 (MANE Select); coding-DNA position 322, G replaced by T.
Protein change: p.Ala108Ser; replaces alanine 108 with serine.
Molecular consequence: missense variant.
Genome position (GRCh38, 1-based): chr4:41,747,456, C>A on the plus strand (G>T on the coding strand, the complement: PHOX2B is on the minus strand). VCF-style: chr4-41747456-C-A. GRCh37 (hg19) VCF-style: chr4-41749473-C-A.
Other names: short protein forms A108S.
Identifiers: ClinVar variation 3708950 (VCV003708950.2).

ClinVar aggregate classification (germline): Uncertain significance (1 of 4 stars; one submission).

Conditions:
Haddad syndrome (OHD). Also called: Ondine-Hirschsprung disease. Identifiers: Orphanet 99803, MedGen C1859049, MONDO:0020493.

Submission:

Labcorp Genetics (formerly Invitae), Labcorp
Classification: Uncertain significance for Haddad syndrome. Last evaluated: 2024-08-28. Review status: criteria provided, single submitter. Criteria: Invitae Variant Classification Sherloc (09022015). Collection method: clinical testing. Allele origin: germline.
Comment: This sequence change replaces alanine, which is neutral and non-polar, with serine, which is neutral and polar, at codon 108 of the PHOX2B protein (p.Ala108Ser). This variant is not present in population databases (gnomAD no frequency). This variant has not been reported in the literature in individuals affected with PHOX2B-related conditions. Invitae Evidence Modeling of protein sequence and biophysical properties (such as structural, functional, and spatial information, amino acid conservation, physicochemical variation, residue mobility, and thermodynamic stability) indicates that this missense variant is not expected to disrupt PHOX2B protein function with a negative predictive value of 80%. In summary, the available evidence is currently insufficient to determine the role of this variant in disease. Therefore, it has been classified as a Variant of Uncertain Significance.